The following is an entry in ClinVar:

ClinVar aggregate classification (germline): Benign/Likely benign. Review status: criteria provided, multiple submitters, no conflicts (2 of 4 stars). 3 submissions from 3 submitters: Benign (1); Likely benign (1). 1 of the submissions does not count toward it. Last evaluated 2026-05-01.

Conditions:
ZNF407-related disorder. Also called: ZNF407-related condition.

Allele frequency attached by ClinVar (database versions not stated): gnomAD exomes 0.00023 and 0.00064; ExAC 0.00087; 1000 Genomes Project 30x 0.00187; 1000 Genomes Project 0.00200; gnomAD 0.00216 and 0.00232; TOPMed 0.00258; ESP Exome Variant Server 0.00279.
gnomAD v4.1: 695 of 1,613,318 alleles (0.043%); highest among the groups gnomAD compares: African/African-American, 0.76%; 1 homozygote.

Submissions (3):

CeGaT Center for Human Genetics Tuebingen
Classification: Likely benign. Last evaluated: 2026-05-01. Review status: criteria provided, single submitter. Criteria: CeGaT Center For Human Genetics Tuebingen Variant Classification Criteria Version 2. Collection method: clinical testing. Allele origin: germline. Affected: yes. Observed: 2 variant alleles.
Comment: ZNF407: BP4, BP7

Labcorp Genetics (formerly Invitae), Labcorp
Classification: Benign. Last evaluated: 2019-12-31. Review status: criteria provided, single submitter. Criteria: Invitae Variant Classification Sherloc (09022015). Collection method: clinical testing. Allele origin: germline.

PreventionGenetics, part of Exact Sciences
Classification: Benign for ZNF407-related condition. Last evaluated: 2020-02-21. Review status: no assertion criteria provided. Collection method: clinical testing. Allele origin: germline. Not counted in ClinVar's aggregate classification.
Comment: This variant is classified as benign based on ACMG/AMP sequence variant interpretation guidelines (Richards et al. 2015 PMID: 25741868, with internal and published modifications).

NM_017757.3(ZNF407):c.5505C>T (p.Thr1835=)

Gene: ZNF407 (zinc finger protein 407; plus strand). Cytogenetic location: 18q22.3.
Variant type: single nucleotide variant.
Coding change: c.5505C>T on transcript NM_017757.3 (MANE Select); coding-DNA position 5505, C replaced by T.
Protein change: p.Thr1835=; no amino-acid change (threonine 1835 retained).
Molecular consequence: synonymous variant.
Genome position (GRCh38, 1-based): chr18:75,063,226, C>T. VCF-style: chr18-75063226-C-T. GRCh37 (hg19) VCF-style: chr18-72775182-C-T.
Other names: c.5505C>T, p.Thr1835= (NM_001384475.1).
Identifiers: ClinVar variation 715739 (VCV000715739.10), dbSNP rs148026190, ClinGen allele CA9001140.
Genomic context (GRCh38, chr18:75,063,226, plus strand): 5'-GTACGAGTGCCGTCTAAAGGGACAAGGAGCCACCTTCGTGGAGACAGACAGCCCCTTCAC[C>T]GCGGCGGCCTTGGCAGAAGAGCCCCTCGTCAAGGAGAAGCCCCTCAGAAGCAGCAGGAGG-3'
Protein context (NP_060227.2, residues 1825-1845): ATFVETDSPF[Thr1835=]AAALAEEPLV